The following is an entry in ClinVar:

ClinVar aggregate classification (germline): Likely pathogenic. Review status: criteria provided, multiple submitters, no conflicts (2 of 4 stars). 2 submissions from 2 submitters: Likely pathogenic (2). Last evaluated 2025-12-29.

Conditions:
Cardiovascular phenotype. Identifiers: MedGen CN230736.
Autosomal recessive limb-girdle muscular dystrophy type 2J (LGMDR10). Also called: MUSCULAR DYSTROPHY, LIMB-GIRDLE, AUTOSOMAL RECESSIVE 10; Limb-girdle muscular dystrophy, type 2J. Identifiers: Orphanet 140922, MedGen C1837342, MONDO:0012127, OMIM 608807.
Dilated cardiomyopathy 1G (CMD1G). Identifiers: Orphanet 154, MedGen C1858763, MONDO:0011400, OMIM 604145.

Submissions (2):

Labcorp Genetics (formerly Invitae), Labcorp
Classification: Likely pathogenic for Dilated cardiomyopathy 1G; Autosomal recessive limb-girdle muscular dystrophy type 2J. Last evaluated: 2025-12-29. Review status: criteria provided, single submitter. Criteria: Invitae Variant Classification Sherloc (09022015). Collection method: clinical testing. Allele origin: germline.
Comment: This sequence change creates a premature translational stop signal (p.Trp21500*) in the TTN gene. While this is not anticipated to result in nonsense mediated decay, it is expected to create a truncated TTN protein. This variant is not present in population databases (gnomAD no frequency). This premature translational stop signal has been observed in individual(s) with dilated cardiomyopathy (PMID: 33996946). ClinVar contains an entry for this variant (Variation ID: 3463739). This variant is located in the A band of TTN (PMID: 25589632). Truncating variants in this region are significantly overrepresented in patients affected with dilated cardiomyopathy (PMID: 25589632). Truncating variants in this region have also been reported in individuals affected with autosomal recessive centronuclear myopathy (PMID: 23975875). In summary, the currently available evidence indicates that the variant is pathogenic, but additional data are needed to prove that conclusively. Therefore, this variant has been classified as Likely Pathogenic.

Ambry Genetics
Classification: Likely pathogenic for Cardiovascular phenotype. Last evaluated: 2024-07-29. Review status: criteria provided, single submitter. Criteria: Ambry Variant Classification Scheme 2023. Collection method: clinical testing. Allele origin: germline.
Comment: The c.37300_37303dupAAAT variant, located in coding exon 136 of the TTN gene, results from a duplication of AAAT at nucleotide position 37300, causing a translational frameshift with a predicted alternate stop codon (p.W12435*). This exon is located in the A-band region of the N2-B isoform of the titin protein and is constitutively expressed in TTN transcripts (percent spliced in or PSI 100%). This variant is considered to be rare based on population cohorts in the Genome Aggregation Database (gnomAD). This alteration is expected to result in loss of function by premature protein truncation or nonsense-mediated mRNA decay. While truncating variants in TTN are present in 1-3% of the general population, truncating variants in the A-band are the most common cause of dilated cardiomyopathy (DCM) (Herman DS et al. N. Engl. J. Med., 2012 Feb;366:619-28; Roberts AM et al. Sci Transl Med, 2015 Jan;7:270ra6). TTN truncating variants encoded in constitutive exons (PSI >90%) have been found to be significantly associated with DCM regardless of their position in titin (Schafer S et al. Nat. Genet., 2017 01;49:46-53). Based on the majority of available evidence to date, this variant is likely to be pathogenic.

Literature cited by the submitters: PubMed 33996946 (cited by Labcorp Genetics (formerly Invitae), Labcorp); PubMed 25589632 (cited by Labcorp Genetics (formerly Invitae), Labcorp); PubMed 23975875 (cited by Labcorp Genetics (formerly Invitae), Labcorp).

NM_001267550.2(TTN):c.64495_64498dup (p.Trp21500Ter)

Genes: TTN-AS1 (TTN antisense RNA 1; plus strand), TTN (titin; minus strand). Cytogenetic location: 2q31.2.
Variant type: Duplication.
Coding change: c.64495_64498dup on transcript NM_001267550.2 (MANE Select); coding-DNA positions 64495 to 64498, 4 bases duplicated (AAAT; older notation c.64495_64498dupAAAT).
Protein change: p.Trp21500Ter; replaces tryptophan 21500 with a stop codon.
Molecular consequence: nonsense.
Genome position (GRCh38, 1-based): chr2:178,585,246-178,585,249, ATTT duplicated on the plus strand (AAAT on the coding strand, the reverse complement: TTN is on the minus strand); duplicating any 4 consecutive bases within chr2:178,585,246-178,585,250 gives the same sequence; the c. name uses the placement nearest the transcript's 3' end. VCF-style (leftmost placement, unchanged base first): chr2-178585245-C-CATTT. GRCh37 (hg19) VCF-style: chr2-179449972-C-CATTT.
Other names: c.59572_59575dup, p.Trp19859Ter (NM_001256850.1); c.37300_37303dup, p.Trp12435Ter (NM_003319.4); c.56791_56794dup, p.Trp18932Ter (NM_133378.4); c.37675_37678dup, p.Trp12560Ter (NM_133432.3); c.37876_37879dup, p.Trp12627Ter (NM_133437.4); c.37300_37303dupAAAT (NM_003319.4); short protein forms W12435*, W21500*, W12560*, W12627*, W19859*, W18932*.
Identifiers: ClinVar variation 3463739 (VCV003463739.2).
Genomic context (GRCh38, chr2:178,585,245, plus strand): 5'-CTGTCTGCTTTATGCACTGCCAGGTGGCTGGATGTGACAACTTCATCTTCTCCTTTTTTC[C>CATTT]ATTTACAGGTGGGATGAGGCTTTCCATACACATGGGCTTCAATTCGGAGTTTTTTCCCAG-3'